The following is an entry in ClinVar:

ClinVar aggregate classification (germline): Likely benign. Review status: criteria provided, multiple submitters, no conflicts (2 of 4 stars). 3 submissions from 3 submitters: Likely benign (3). Last evaluated 2024-11-25.

Conditions:
AGO1-related disorder. Also called: AGO1-related condition.

Allele frequency attached by ClinVar (database versions not stated): TOPMed 0.00006; gnomAD 0.00007 and 0.00008; gnomAD exomes 0.00010 and 0.00012; ExAC 0.00012; ESP Exome Variant Server 0.00015.
gnomAD v4.1: 165 of 1,614,004 alleles (0.01%); highest among the groups gnomAD compares: Middle Eastern, 0.25%; no homozygotes.

Submissions (3):

PreventionGenetics, part of Exact Sciences
Classification: Likely benign for AGO1-related condition. Last evaluated: 2024-11-25. Review status: criteria provided, single submitter. Criteria: ACMG Guidelines, 2015. Collection method: clinical testing. Allele origin: germline.
Comment: This variant is classified as likely benign based on ACMG/AMP sequence variant interpretation guidelines (Richards et al. 2015 PMID: 25741868, with internal and published modifications).

Labcorp Genetics (formerly Invitae), Labcorp
Classification: Likely benign. Last evaluated: 2018-08-22. Review status: criteria provided, single submitter. Criteria: Invitae Variant Classification Sherloc (09022015). Collection method: clinical testing. Allele origin: germline.

Breakthrough Genomics
Classification: Likely benign. Review status: criteria provided, single submitter. Criteria: ACMG Guidelines, 2015. Collection method: not provided. Allele origin: germline. Inheritance: Unknown mechanism. Affected: yes.

NM_012199.5(AGO1):c.1698T>C (p.Asn566=)

Gene: AGO1 (argonaute RISC component 1; plus strand). Cytogenetic location: 1p34.3.
Variant type: single nucleotide variant.
Coding change: c.1698T>C on transcript NM_012199.5 (MANE Select); coding-DNA position 1698, T replaced by C.
Protein change: p.Asn566=; no amino-acid change (asparagine 566 retained).
Molecular consequence: synonymous variant.
Genome position (GRCh38, 1-based): chr1:35,913,957, T>C. VCF-style: chr1-35913957-T-C. GRCh37 (hg19) VCF-style: chr1-36379558-T-C.
Other names: c.1698T>C, p.Asn566= (NM_001317122.2); c.1473T>C, p.Asn491= (NM_001317123.2).
Identifiers: ClinVar variation 765439 (VCV000765439.5), dbSNP rs139495925, ClinGen allele CA763253.